The following is an entry in ClinVar:

NM_016239.4(MYO15A):c.5217G>A (p.Val1739=)

Gene: MYO15A (myosin XVA; plus strand). Cytogenetic location: 17p11.2.
Variant type: single nucleotide variant.
Coding change: c.5217G>A on transcript NM_016239.4 (MANE Select); coding-DNA position 5217, G replaced by A.
Protein change: p.Val1739=; no amino-acid change (valine 1739 retained).
Molecular consequence: synonymous variant.
Genome position (GRCh38, 1-based): chr17:18,140,522, G>A. VCF-style: chr17-18140522-G-A. GRCh37 (hg19) VCF-style: chr17-18043836-G-A.
Identifiers: ClinVar variation 930049 (VCV000930049.7), dbSNP rs2046358921, ClinGen allele CA498200935.

ClinVar aggregate classification (germline): Likely benign. Review status: criteria provided, multiple submitters, no conflicts (2 of 4 stars). 2 submissions from 2 submitters: Likely benign (2). Last evaluated 2023-05-28.

Allele frequency attached by ClinVar (database versions not stated): gnomAD exomes below 0.00001; TOPMed below 0.00001.
gnomAD v4.1: 2 of 1,613,524 alleles (0.00012%); highest among the groups gnomAD compares: Admixed American, 0.0033%; no homozygotes.

Submissions (2):

Labcorp Genetics (formerly Invitae), Labcorp
Classification: Likely benign. Last evaluated: 2023-05-28. Review status: criteria provided, single submitter. Criteria: Invitae Variant Classification Sherloc (09022015). Collection method: clinical testing. Allele origin: germline.

Laboratory for Molecular Medicine, Mass General Brigham Personalized Medicine
Classification: Likely benign. Last evaluated: 2019-07-19. Review status: criteria provided, single submitter. Criteria: LMM Criteria. Collection method: clinical testing. Allele origin: germline. Observed: 1 variant allele.
Comment: The p.Val1739Val variant in MYO15A is classified as likely benign because it does not alter an amino acid residue, is not located within the splice consensus site, and computational splice prediction tools do not predict an impact on splicing. It was absent from large population studies. ACMG/AMP Criteria applied: PM2, BP4, BP7.